The following is an entry in ClinVar:

NM_004655.4(AXIN2):c.2487G>A (p.Pro829=)

Gene: AXIN2 (axin 2; minus strand). Cytogenetic location: 17q24.1.
Variant type: single nucleotide variant.
Coding change: c.2487G>A on transcript NM_004655.4 (MANE Select); coding-DNA position 2487, G replaced by A.
Protein change: p.Pro829=; no amino-acid change (proline 829 retained).
Molecular consequence: synonymous variant.
Genome position (GRCh38, 1-based): chr17:65,530,021, C>T on the plus strand (G>A on the coding strand, the complement: AXIN2 is on the minus strand). VCF-style: chr17-65530021-C-T. GRCh37 (hg19) VCF-style: chr17-63526139-C-T.
Other names: c.2292G>A, p.Pro764= (NM_001363813.1); c.2487G>A (LRG_296t1).
Identifiers: ClinVar variation 509112 (VCV000509112.17), dbSNP rs768793839, ClinGen allele CA8718278.

ClinVar aggregate classification (germline): Conflicting classifications of pathogenicity. Review status: criteria provided, conflicting classifications (1 of 4 stars). 5 submissions from 5 submitters: Uncertain significance (1); Benign (1); Likely benign (3). Last evaluated 2026-01-18.

Conditions:
Hereditary cancer-predisposing syndrome. Also called: Hereditary neoplastic syndrome; Hereditary Cancer Syndrome; Neoplastic Syndromes, Hereditary; Tumor predisposition. Identifiers: Orphanet 140162, MedGen C0027672, MeSH D009386, MONDO:0015356.
Oligodontia-cancer predisposition syndrome. Also called: TOOTH AGENESIS-COLORECTAL CANCER SYNDROME. Identifiers: Orphanet 300576, MedGen C1837750, MONDO:0012075, OMIM 608615. Disease mechanism: loss of function.

Allele frequency attached by ClinVar (database versions not stated): TOPMed below 0.00001; gnomAD 0.00001; gnomAD exomes 0.00001; ExAC 0.00002.
gnomAD v4.1: 6 of 1,614,082 alleles (0.00037%); highest among the groups gnomAD compares: South Asian, 0.0022%; no homozygotes.

Submissions (5):

Labcorp Genetics (formerly Invitae), Labcorp
Classification: Likely benign for Oligodontia-cancer predisposition syndrome. Last evaluated: 2026-01-18. Review status: criteria provided, single submitter. Criteria: Invitae Variant Classification Sherloc (09022015). Collection method: clinical testing. Allele origin: germline.

Myriad Genetics, Inc.
Classification: Benign for Oligodontia-cancer predisposition syndrome. Last evaluated: 2024-07-11. Review status: criteria provided, single submitter. Criteria: Myriad Autosomal Dominant, Autosomal Recessive and X-Linked Classification Criteria (2023). Collection method: clinical testing. Allele origin: unknown.
Comment: This variant is considered benign. This variant is a silent/synonymous amino acid change and it is not expected to impact splicing.

Sema4
Classification: Uncertain significance for Hereditary cancer-predisposing syndrome. Last evaluated: 2021-08-02. Review status: criteria provided, single submitter. Criteria: Sema4 Curation Guidelines. Collection method: curation. Allele origin: germline.
Comment: The AXIN2 c.2487G>A (p.P829=) variant has not been reported in the literature to our knowledge. It was observed in 1/30616 chromosomes of the South Asian subpopulation in the large and broad cohorts of the Genome Aggregation Database (PMID: 32461654). This variant has been reported in ClinVar (Variation ID 509112). In silico tools suggest the variant may have an impact on splicing, though these predictions have not been confirmed by functional studies. The evidence is insufficient to meet ACMG/AMP criteria for classifying the variant as benign or pathogenic. Thus, the clinical significance of this variant is currently uncertain.

Ambry Genetics
Classification: Likely benign for Hereditary cancer-predisposing syndrome. Last evaluated: 2020-04-15. Review status: criteria provided, single submitter. Criteria: Ambry Variant Classification Scheme 2023. Collection method: clinical testing. Allele origin: germline.

GeneDx
Classification: Likely benign. Last evaluated: 2020-01-26. Review status: criteria provided, single submitter. Criteria: GeneDx Variant Classification Process June 2021. Collection method: clinical testing. Allele origin: germline. Affected: yes.